The following is an entry in ClinVar:

NM_197968.4(ZMYM2):c.3671C>G (p.Thr1224Ser)

Gene: ZMYM2 (zinc finger MYM-type containing 2; plus strand). Cytogenetic location: 13q12.11.
Variant type: single nucleotide variant.
Coding change: c.3671C>G on transcript NM_197968.4 (MANE Select); coding-DNA position 3671, C replaced by G.
Protein change: p.Thr1224Ser; replaces threonine 1224 with serine.
Molecular consequence: missense variant. On other transcripts: non-coding transcript variant (1).
Genome position (GRCh38, 1-based): chr13:20,082,883, C>G. VCF-style: chr13-20082883-C-G. GRCh37 (hg19) VCF-style: chr13-20657023-C-G.
Other names: c.3671C>G, p.Thr1224Ser (NM_001190964.4, NM_001190965.4, NM_001353157.2 and 4 more transcripts); c.3476C>G, p.Thr1159Ser (NM_001353161.3); c.3410C>G, p.Thr1137Ser (NM_001353163.2); short protein forms T1137S, T1159S, T1224S.
Identifiers: ClinVar variation 2442426 (VCV002442426.1), dbSNP rs2504627334, ClinGen allele CA387469588.

ClinVar aggregate classification (germline): Uncertain significance (1 of 4 stars; one submission).

Submission:

GeneDx
Classification: Uncertain significance. Last evaluated: 2022-09-02. Review status: criteria provided, single submitter. Criteria: GeneDx Variant Classification Process June 2021. Collection method: clinical testing. Allele origin: germline. Affected: yes.
Comment: Not observed at significant frequency in large population cohorts (gnomAD); In silico analysis supports that this missense variant has a deleterious effect on protein structure/function; Has not been previously published as pathogenic or benign to our knowledge